The following is an entry in ClinVar:

NM_015330.6(SPECC1L):c.2956G>A (p.Val986Met)

Genes: SPECC1L (sperm antigen with calponin homology and coiled-coil domains 1 like; plus strand), SPECC1L-ADORA2A (SPECC1L-ADORA2A readthrough (NMD candidate); plus strand). Cytogenetic location: 22q11.23.
Variant type: single nucleotide variant.
Coding change: c.2956G>A on transcript NM_015330.6 (MANE Select); coding-DNA position 2956, G replaced by A.
Protein change: p.Val986Met; replaces valine 986 with methionine.
Molecular consequence: missense variant. On other transcripts: non-coding transcript variant (1).
Genome position (GRCh38, 1-based): chr22:24,365,604, G>A. VCF-style: chr22-24365604-G-A. GRCh37 (hg19) VCF-style: chr22-24761572-G-A.
Other names: c.2956G>A, p.Val986Met (NM_001145468.4, NM_001254732.3); c.154G>A, p.Val52Met (NM_001254733.2); short protein forms V52M, V986M.
Identifiers: ClinVar variation 4886225 (VCV004886225.2).

ClinVar aggregate classification (germline): Uncertain significance (1 of 4 stars; one submission).

Submission:

Dasa
Classification: Uncertain significance. Last evaluated: 2025-07-14. Review status: criteria provided, single submitter. Criteria: DASA Assertion Criteria. Collection method: clinical testing. Allele origin: germline.
Comment: NM_015330.6(SPECC1L):c.2956G>A (p.Val986Met) is a missense variant that results in the substitution of valine with methionine. This variant is absent from population databases. Computational prediction algorithms are consistent with a benign effect. The currently available literature and clinical evidence are not sufficient to establish a definitive association between this variant and the reported condition. Therefore, this variant is classified as a variant of uncertain significance.